The following is an entry in ClinVar:

NM_000059.4(BRCA2):c.6413T>G (p.Val2138Gly)

Gene: BRCA2 (BRCA2 DNA repair associated; plus strand). Cytogenetic location: 13q13.1.
Variant type: single nucleotide variant.
Coding change: c.6413T>G on transcript NM_000059.4 (MANE Select); coding-DNA position 6413, T replaced by G.
Protein change: p.Val2138Gly; replaces valine 2138 with glycine.
Molecular consequence: missense variant.
Genome position (GRCh38, 1-based): chr13:32,340,768, T>G. VCF-style: chr13-32340768-T-G. GRCh37 (hg19) VCF-style: chr13-32914905-T-G.
Other names: short protein forms V2138G.
Identifiers: ClinVar variation 993178 (VCV000993178.11), dbSNP rs80358877, ClinGen allele CA387789265.

ClinVar aggregate classification (germline): Conflicting classifications of pathogenicity. Review status: criteria provided, conflicting classifications (1 of 4 stars). 3 submissions from 3 submitters: Uncertain significance (1); Likely benign (2). Last evaluated 2023-03-23.

Conditions:
Hereditary cancer-predisposing syndrome. Also called: Neoplastic Syndromes, Hereditary; Hereditary Cancer Syndrome; Tumor predisposition; Hereditary neoplastic syndrome. Identifiers: Orphanet 140162, MedGen C0027672, MeSH D009386, MONDO:0015356.
Hereditary breast ovarian cancer syndrome. Also called: Hereditary breast and ovarian cancer; Hereditary breast and ovarian cancer syndrome; Breast and ovarian cancer; BRCA1- and BRCA2-Associated Hereditary Breast and Ovarian Cancer; Hereditary breast and/or ovarian cancer syndrome; Hereditary breast and ovarian cancer syndrome (HBOC). Identifiers: Orphanet 145, MedGen C0677776, MeSH D061325, MONDO:0003582. Disease mechanism: loss of function.

Submissions (3):

University of Washington Department of Laboratory Medicine, University of Washington
Classification: Likely benign for Hereditary cancer-predisposing syndrome. Last evaluated: 2023-03-23. Review status: criteria provided, single submitter. Criteria: Dines et al. (Genet Med. 2020). Collection method: curation. Allele origin: germline.
Comment: Missense variant in a coldspot region where missense variants are very unlikely to be pathogenic (PMID:31911673).

BRCA2 exon 11 coldspot. Reclassification based on statistical prior probability.

Labcorp Genetics (formerly Invitae), Labcorp
Classification: Likely benign for Hereditary breast ovarian cancer syndrome. Last evaluated: 2020-05-04. Review status: criteria provided, single submitter. Criteria: Invitae Variant Classification Sherloc (09022015). Collection method: clinical testing. Allele origin: germline.

Quest Diagnostics Nichols Institute San Juan Capistrano
Classification: Uncertain significance. Last evaluated: 2019-10-26. Review status: criteria provided, single submitter. Criteria: Quest Diagnostics criteria. Collection method: clinical testing. Allele origin: unknown.